The following is an entry in ClinVar:

ClinVar aggregate classification (germline): Pathogenic. Review status: criteria provided, multiple submitters, no conflicts (2 of 4 stars). 5 submissions from 5 submitters: Pathogenic (3). 2 of the submissions do not count toward it. Last evaluated 2024-08-01.

Conditions:
Pyruvate dehydrogenase E1-alpha deficiency (PDHAD). Also called: ATAXIA, INTERMITTENT, WITH PYRUVATE DEHYDROGENASE DEFICIENCY; ATAXIA WITH LACTIC ACIDOSIS I; ATAXIA, INTERMITTENT, WITH ABNORMAL PYRUVATE METABOLISM; Ataxia, intermittent, with pyruvate dehydrogenase, or decarboxylase, deficiency. Identifiers: Orphanet 79243, MedGen C1839413, MONDO:0010717, OMIM 312170.

Submissions (5):

CeGaT Center for Human Genetics Tuebingen
Classification: Pathogenic. Last evaluated: 2024-08-01. Review status: criteria provided, single submitter. Criteria: CeGaT Center For Human Genetics Tuebingen Variant Classification Criteria Version 2. Collection method: clinical testing. Allele origin: germline. Affected: yes. Observed: 1 variant allele.
Comment: PDHA1: PVS1, PM2, PS4:Moderate, PP4

Institute of Human Genetics Munich, TUM University Hospital
Classification: Pathogenic for Pyruvate dehydrogenase E1-alpha deficiency. Last evaluated: 2018-01-10. Review status: criteria provided, single submitter. Criteria: Classification criteria August 2017. Collection method: clinical testing. Allele origin: germline. Inheritance: X-linked inheritance. Affected: yes. Observed: 1 heterozygote.

GeneDx
Classification: Pathogenic. Last evaluated: 2013-09-09. Review status: criteria provided, single submitter. Criteria: GeneDx Variant Classification (06012015). Collection method: clinical testing. Allele origin: germline. Affected: yes.
Comment: The c.936_939delTAAG mutation in the PDHA1 gene has been reported previously in association with pyruvate dehydrogenase complex deficiency (PDHc) (Lissens et al., 1995). The deletion causes a frameshift starting with codon Serine 312, changes this amino acid to an Arginine residue and creates a premature Stop codon at position 13 of the new reading frame, denoted p.Ser312ArgfsX13. This mutation is predicted to cause loss of normal protein function through protein truncation. The variant is found in PDHA1 panel(s).

PDHA1 Study Group, University Children’s Hospital, Paracelsus Medical University
Classification: Pathogenic for Pyruvate dehydrogenase E1-alpha deficiency. Last evaluated: 2024-10-15. Review status: no assertion criteria provided. Collection method: research. Allele origin: germline. Affected: yes. Observed: 3 variant alleles. Not counted in ClinVar's aggregate classification.
Comment: The NM_000284.3:c.936_939del (p.Ser312ArgfsTer13) change is a frameshift variant in PDHA1 gene. This variant is predicted to result in nonsense-mediated decay (NMD). In total, 3 individuals were diagnosed with PDHA1-related Pyruvate dehydrogenase complex (PDHc) deficiency (MIM #312170). The variant has been reported in 2 published cases (PMIDs: 7757085, 21914562). Last literature search: July 12, 2024. This variant is absent or extremely rare in population-based cohorts in the Genome Aggregation Database (gnomAD). Individuals harboring this variant presented with clinical features compatible with PDHA1-related PDHc deficiency. In summary, this variant meets criteria to be classified as pathogenic (P) for PDHA1-related PDHc deficiency based on the ACMG/AMP criteria applied: PVS1, PS3, PM2 (last assessment October 15, 2024).

Genomics England Pilot Project, Genomics England
Classification: Likely pathogenic for Pyruvate dehydrogenase E1-alpha deficiency. Review status: no assertion criteria provided. Criteria: ACGS Guidelines, 2016. Collection method: clinical testing. Allele origin: germline. Affected: yes. Not counted in ClinVar's aggregate classification.

Literature cited by the submitters: PubMed 7757085 (cited by PDHA1 Study Group, University Children’s Hospital, Paracelsus Medical University); PubMed 21914562 (cited by PDHA1 Study Group, University Children’s Hospital, Paracelsus Medical University); DOI 10.1093/brain/awaf430 (cited by PDHA1 Study Group, University Children’s Hospital, Paracelsus Medical University).

NM_000284.4(PDHA1):c.936_939del (p.Ser312fs)

Gene: PDHA1 (pyruvate dehydrogenase E1 subunit alpha 1; plus strand). Cytogenetic location: Xp22.12.
Variant type: Deletion.
Coding change: c.936_939del on transcript NM_000284.4 (MANE Select); coding-DNA positions 936 to 939, 4 bases deleted (TAAG; older notation c.936_939delTAAG).
Protein change: p.Ser312fs; shifts the reading frame from serine 312.
Molecular consequence: frameshift variant.
Genome position (GRCh38, 1-based): chrX:19,358,952-19,358,955, TAAG deleted; deleting any 4 consecutive bases within chrX:19,358,949-19,358,955 gives the same sequence; the c. name uses the placement nearest the transcript's 3' end. VCF-style (leftmost placement, unchanged base first): chrX-19358948-GAAGT-G. GRCh37 (hg19) VCF-style: chrX-19377066-GAAGT-G.
Other names: c.1050_1053del, p.Ser350fs (NM_001173454.2); c.957_960del, p.Ser319fs (NM_001173455.2); c.843_846del, p.Ser281fs (NM_001173456.2); c.936_939delTAAG (NM_000284.3); c.936_939del (NM_000284.3); short protein forms S312fs, S319fs, S350fs, S281fs.
Identifiers: ClinVar variation 214944 (VCV000214944.22), dbSNP rs863224153, ClinGen allele CA323384.